The following is an entry in ClinVar:

NM_007373.4(SHOC2):c.1638G>T (p.Met546Ile)

Gene: SHOC2 (SHOC2 leucine rich repeat scaffold protein; plus strand). Cytogenetic location: 10q25.2.
Variant type: single nucleotide variant.
Coding change: c.1638G>T on transcript NM_007373.4 (MANE Select); coding-DNA position 1638, G replaced by T.
Protein change: p.Met546Ile; replaces methionine 546 with isoleucine.
Molecular consequence: missense variant. On other transcripts: non-coding transcript variant (1).
Genome position (GRCh38, 1-based): chr10:111,011,707, G>T. VCF-style: chr10-111011707-G-T. GRCh37 (hg19) VCF-style: chr10-112771465-G-T.
Other names: c.1500G>T, p.Met500Ile (NM_001269039.3); c.1638G>T, p.Met546Ile (NM_001324336.2, NM_001324337.2); short protein forms M500I, M546I.
Identifiers: ClinVar variation 3650904 (VCV003650904.2).
Genomic context (GRCh38, chr10:111,011,707, plus strand): 5'-CAACCCCAACCTGCATAGCCTTCCCTTTGAGCTGGCACTCTGCAGCAAGCTTTCAATCAT[G>T]AGTATTGAGAACTGTCCACTCAGTCACCTTCCACCTCAGATTGTTGCTGGGGGGCCTTCT-3'
Protein context (NP_031399.2, residues 536-556): ELALCSKLSI[Met546Ile]SIENCPLSHL

ClinVar aggregate classification (germline): Uncertain significance (1 of 4 stars; one submission).

Conditions:
RASopathy. Also called: rasopathies; Noonan spectrum disorder. Identifiers: Orphanet 536391, MedGen C5555857, MONDO:0021060.

Submission:

Labcorp Genetics (formerly Invitae), Labcorp
Classification: Uncertain significance for RASopathy. Last evaluated: 2024-04-25. Review status: criteria provided, single submitter. Criteria: Invitae Variant Classification Sherloc (09022015). Collection method: clinical testing. Allele origin: germline.
Comment: This sequence change replaces methionine, which is neutral and non-polar, with isoleucine, which is neutral and non-polar, at codon 546 of the SHOC2 protein (p.Met546Ile). This variant is not present in population databases (gnomAD no frequency). This variant has not been reported in the literature in individuals affected with SHOC2-related conditions. Advanced modeling of protein sequence and biophysical properties (such as structural, functional, and spatial information, amino acid conservation, physicochemical variation, residue mobility, and thermodynamic stability) has been performed at Invitae for this missense variant, however the output from this modeling did not meet the statistical confidence thresholds required to predict the impact of this variant on SHOC2 protein function. In summary, the available evidence is currently insufficient to determine the role of this variant in disease. Therefore, it has been classified as a Variant of Uncertain Significance.